The following is an entry in ClinVar:

NM_022437.3(ABCG8):c.1924G>T (p.Ala642Ser)

Gene: ABCG8 (ATP binding cassette subfamily G member 8; plus strand). Cytogenetic location: 2p21.
Variant type: single nucleotide variant.
Coding change: c.1924G>T on transcript NM_022437.3 (MANE Select); coding-DNA position 1924, G replaced by T.
Protein change: p.Ala642Ser; replaces alanine 642 with serine.
Molecular consequence: missense variant.
Genome position (GRCh38, 1-based): chr2:43,877,815, G>T. VCF-style: chr2-43877815-G-T. GRCh37 (hg19) VCF-style: chr2-44104954-G-T.
Other names: c.1921G>T, p.Ala641Ser (NM_001357321.2); short protein forms A641S, A642S.
Identifiers: ClinVar variation 3227783 (VCV003227783.1), dbSNP rs113005049, ClinGen allele CA346671292.

ClinVar aggregate classification (germline): Uncertain significance (1 of 4 stars; one submission).

Conditions:
Cardiovascular phenotype. Identifiers: MedGen CN230736.

Submission:

Ambry Genetics
Classification: Uncertain significance for Cardiovascular phenotype. Last evaluated: 2024-02-24. Review status: criteria provided, single submitter. Criteria: Ambry Variant Classification Scheme 2023. Collection method: clinical testing. Allele origin: germline.
Comment: The p.A642S variant (also known as c.1924G>T), located in coding exon 13 of the ABCG8 gene, results from a G to T substitution at nucleotide position 1924. The alanine at codon 642 is replaced by serine, an amino acid with similar properties. This amino acid position is conserved. In addition, this alteration is predicted to be tolerated by in silico analysis. Based on the available evidence, the clinical significance of this alteration remains unclear.